The following is an entry in ClinVar:

NM_000059.4(BRCA2):c.6623A>T (p.Asn2208Ile)

Gene: BRCA2 (BRCA2 DNA repair associated; plus strand). Cytogenetic location: 13q13.1.
Variant type: single nucleotide variant.
Coding change: c.6623A>T on transcript NM_000059.4 (MANE Select); coding-DNA position 6623, A replaced by T.
Protein change: p.Asn2208Ile; replaces asparagine 2208 with isoleucine.
Molecular consequence: missense variant. On other transcripts: non-coding transcript variant (1), intron variant (2).
Genome position (GRCh38, 1-based): chr13:32,340,978, A>T. VCF-style: chr13-32340978-A-T. GRCh37 (hg19) VCF-style: chr13-32915115-A-T.
Other names: c.6623A>T, p.Asn2208Ile (NM_001406719.1, NM_001406720.1, NM_001432077.1); c.1910-3580A>T (NM_001406721.1); c.425-3580A>T (NM_001406722.1); short protein forms N2208I.
Identifiers: ClinVar variation 4856496 (VCV004856496.1).

ClinVar aggregate classification (germline): Likely benign (1 of 4 stars; one submission).

Conditions:
Breast-ovarian cancer, familial, susceptibility to, 2 (BROVCA2). Also called: BRCA2 Hereditary Breast and Ovarian Cancer. Identifiers: Orphanet 145, MedGen C2675520, MONDO:0012933, OMIM 612555. Disease mechanism: loss of function.

gnomAD v4.1: 1 of 1,609,034 alleles (0.000062%); highest among the groups gnomAD compares: Non-Finnish European, 0.000085%; no homozygotes.

Submission:

Cancer Bioinformatics and Tumour Evolution Laboratory, Monash University
Classification: Likely benign for Breast-ovarian cancer, familial, susceptibility to, 2. Last evaluated: 2026-05-01. Review status: criteria provided, single submitter. Criteria: ClinGen BRCA1 and BRCA2 Guidelines, 2024. Collection method: curation. Allele origin: germline. Inheritance: Autosomal dominant inheritance.
Comment: PMID: 39281752 - A large scale study to determine the case-control LR of BRCA1 and BRCA2 variants. The data was consolidated in the ccLR browser. This variant was found in the browser with a LR of 0.701795714 which is in the no evidence range according to the BRCA1 and BRCA2 VCEP. Hence, no evidence code is applied. Missense variant outside of a functional domain with no splice impact. BRCA1 and BRCA2 VCEP guidelines recommend application of BP1_Strong (PMID: 39142283)

Literature cited by the submitters: PubMed 39281752.